The following is an entry in ClinVar:

ClinVar aggregate classification (germline): Pathogenic. Review status: reviewed by expert panel (3 of 4 stars). 3 submissions from 3 submitters: Pathogenic (1). 2 of the submissions do not count toward it. Last evaluated 2016-10-18.

Conditions:
Breast-ovarian cancer, familial, susceptibility to, 1 (BROVCA1). Also called: BRCA1 Hereditary Breast and Ovarian Cancer; OVARIAN CANCER, SUSCEPTIBILITY TO. Identifiers: Orphanet 145, MedGen C2676676, MONDO:0011450, OMIM 604370. Disease mechanism: loss of function.

Submissions (3):

Evidence-based Network for the Interpretation of Germline Mutant Alleles (ENIGMA)
Classification: Pathogenic for Breast-ovarian cancer, familial, susceptibility to, 1. Last evaluated: 2016-10-18. Review status: reviewed by expert panel. Criteria: ENIGMA BRCA1/2 Classification Criteria (2015). Collection method: curation. Allele origin: germline.
Comment: Variant allele predicted to encode a truncated non-functional protein.

Consortium of Investigators of Modifiers of BRCA1/2 (CIMBA), c/o University of Cambridge
Classification: Pathogenic for Breast-ovarian cancer, familial, susceptibility to, 1. Last evaluated: 2015-10-02. Review status: criteria provided, single submitter. Criteria: CIMBA Mutation Classification guidelines May 2016. Collection method: clinical testing. Allele origin: germline. Not counted in ClinVar's aggregate classification.

Breast Cancer Information Core (BIC) (BRCA1)
Classification: Uncertain significance for Breast-ovarian cancer, familial 1. Last evaluated: 2013-02-20. Review status: no assertion criteria provided. Collection method: clinical testing. Allele origin: somatic. Affected: yes. Observed: 1 variant allele. Not counted in ClinVar's aggregate classification.

NM_007294.4(BRCA1):c.4050_4051insG (p.Leu1351fs)

Genes: BRCA1 (BRCA1 DNA repair associated; minus strand), LOC126862571 (BRD4-independent group 4 enhancer GRCh37_chr17:41243136-41244335; plus strand). Cytogenetic location: 17q21.31.
Variant type: Insertion.
Coding change: c.4050_4051insG on transcript NM_007294.4 (MANE Select); coding-DNA positions 4050 to 4051, G inserted.
Protein change: p.Leu1351fs; shifts the reading frame from leucine 1351.
Molecular consequence: frameshift variant. On other transcripts: intron variant (135).
Genome position: GRCh38 VCF-style: chr17-43091480-A-AC. GRCh37 (hg19) VCF-style: chr17-41243497-A-AC.
Other names: 4169insG; c.3924_3925insG, p.Leu1309fs (NM_001407940.1, NM_001407941.1, NM_001407649.1 and 11 more transcripts); c.3909_3910insG, p.Leu1304fs (NM_001407942.1, NM_001407944.1, NM_001407945.1 and 29 more transcripts); c.3906_3907insG, p.Leu1303fs (NM_001407943.1, NM_001407740.1, NM_001407741.1 and 20 more transcripts); c.3717_3718insG, p.Leu1240fs (NM_001407946.1, NM_001407947.1, NM_001407948.1 and 6 more transcripts); c.3714_3715insG, p.Leu1239fs (NM_001407954.1, NM_001407955.1, NM_001407956.1 and 1 more transcripts); c.3669_3670insG, p.Leu1224fs (NM_001407959.1, NM_001407960.1, NM_001407963.1); c.4050_4051insG, p.Leu1351fs (NM_007300.4, NM_001407581.1, NM_001407582.1 and 30 more transcripts); and 42 more; short protein forms L1304fs, L1351fs, L1223fs, L1239fs, L1262fs, L1263fs, L1280fs, L1309fs.
Identifiers: ClinVar variation 125661 (VCV000125661.6), dbSNP rs483353092, ClinGen allele CA002585.